The following is an entry in ClinVar:

NM_000404.4(GLB1):c.1969G>A (p.Val657Ile)

Gene: GLB1 (galactosidase beta 1; minus strand). Cytogenetic location: 3p22.3.
Variant type: single nucleotide variant.
Coding change: c.1969G>A on transcript NM_000404.4 (MANE Select); coding-DNA position 1969, G replaced by A.
Protein change: p.Val657Ile; replaces valine 657 with isoleucine.
Molecular consequence: missense variant. On other transcripts: intron variant (1).
Genome position (GRCh38, 1-based): chr3:32,997,110, C>T on the plus strand (G>A on the coding strand, the complement: GLB1 is on the minus strand). VCF-style: chr3-32997110-C-T. GRCh37 (hg19) VCF-style: chr3-33038602-C-T.
Other names: c.1879G>A, p.Val627Ile (NM_001079811.3); c.1576G>A, p.Val526Ile (NM_001135602.3); c.2113G>A, p.Val705Ile (NM_001317040.2); c.1734+16946G>A (NM_001393580.1); short protein forms V526I, V705I, V627I, V657I.
Identifiers: ClinVar variation 2161080 (VCV002161080.1), dbSNP rs1283573184, ClinGen allele CA352000043.
Genomic context (GRCh38, chr3:32,997,110, plus strand): 5'-CATGGTCCAGCCATGAATCTTTGTTTTTTTGCGGGGGTGGGGGCATGAGTCTTTTTTCAA[C>T]AGGTTTGGAGGGATGATCGTAGGTCACAGATGAGCCAATAACTGGCCTGTCCACGAACGT-3'
Protein context (NP_000395.3, residues 647-667): SVTYDHPSKP[Val657Ile]EKRLMPPPPQ

ClinVar aggregate classification (germline): Uncertain significance (1 of 4 stars; one submission).

Conditions:
Mucopolysaccharidosis, MPS-IV-B (MPS4B). Also called: Mucopolysaccharidosis type IV B; Mucopolysaccharidosis Type IVB; Mucopolysaccharidosis type IVB (Morquio); MPS IVB; MORQUIO SYNDROME B; Mucopolysaccharidosis Type IVB (Morquio B Disease). Identifiers: Orphanet 309310, Orphanet 582, MedGen C0086652, MONDO:0009660, OMIM 253010.
GM1 gangliosidosis. Identifiers: Orphanet 354, MedGen C0085131, MONDO:0018149.

Allele frequency attached by ClinVar (database versions not stated): gnomAD exomes 0.00001.

Submission:

Labcorp Genetics (formerly Invitae), Labcorp
Classification: Uncertain significance for Mucopolysaccharidosis, MPS-IV-B; GM1 gangliosidosis. Last evaluated: 2022-05-28. Review status: criteria provided, single submitter. Criteria: Invitae Variant Classification Sherloc (09022015). Collection method: clinical testing. Allele origin: germline.
Comment: This sequence change replaces valine, which is neutral and non-polar, with isoleucine, which is neutral and non-polar, at codon 657 of the GLB1 protein (p.Val657Ile). This variant is present in population databases (no rsID available, gnomAD 0.007%). This variant has not been reported in the literature in individuals affected with GLB1-related conditions. Advanced modeling of protein sequence and biophysical properties (such as structural, functional, and spatial information, amino acid conservation, physicochemical variation, residue mobility, and thermodynamic stability) performed at Invitae indicates that this missense variant is not expected to disrupt GLB1 protein function. In summary, the available evidence is currently insufficient to determine the role of this variant in disease. Therefore, it has been classified as a Variant of Uncertain Significance.